The following is an entry in ClinVar:

ClinVar aggregate classification (germline): Likely benign. Review status: criteria provided, multiple submitters, no conflicts (2 of 4 stars). 3 submissions from 3 submitters: Likely benign (2). 1 of the submissions does not count toward it. Last evaluated 2025-12-30.

Conditions:
Combined immunodeficiency due to DOCK8 deficiency (HIES2). Also called: HIES autosomal recessive; Hyper-IgE recurrent infection syndrome, autosomal recessive; DOCK8 Deficiency; HYPER-IgE RECURRENT INFECTION SYNDROME 2, AUTOSOMAL RECESSIVE; HYPER-IgE SYNDROME 2, AUTOSOMAL RECESSIVE, WITH RECURRENT INFECTIONS. Identifiers: Orphanet 217390, MedGen C4722305, MONDO:0009478, OMIM 243700.
DOCK8-related disorder. Also called: DOCK8-related condition.

Allele frequency attached by ClinVar (database versions not stated): gnomAD exomes 0.00003 and 0.00005; ExAC 0.00007; ESP Exome Variant Server 0.00008; gnomAD 0.00027; TOPMed 0.00029; 1000 Genomes Project 0.00060; 1000 Genomes Project 30x 0.00062.
gnomAD v4.1: 83 of 1,614,052 alleles (0.0051%); highest among the groups gnomAD compares: African/African-American, 0.1%; no homozygotes.

Submissions (3):

Labcorp Genetics (formerly Invitae), Labcorp
Classification: Likely benign for Combined immunodeficiency due to DOCK8 deficiency. Last evaluated: 2025-12-30. Review status: criteria provided, single submitter. Criteria: Invitae Variant Classification Sherloc (09022015). Collection method: clinical testing. Allele origin: germline.

GeneDx
Classification: Likely benign. Last evaluated: 2018-01-09. Review status: criteria provided, single submitter. Criteria: GeneDx Variant Classification (06012015). Collection method: clinical testing. Allele origin: germline. Affected: yes.
Comment: This variant is considered likely benign or benign based on one or more of the following criteria: it is a conservative change, it occurs at a poorly conserved position in the protein, it is predicted to be benign by multiple in silico algorithms, and/or has population frequency not consistent with disease.

PreventionGenetics, part of Exact Sciences
Classification: Likely benign for DOCK8-related condition. Last evaluated: 2022-03-25. Review status: no assertion criteria provided. Collection method: clinical testing. Allele origin: germline. Not counted in ClinVar's aggregate classification.
Comment: This variant is classified as likely benign based on ACMG/AMP sequence variant interpretation guidelines (Richards et al. 2015 PMID: 25741868, with internal and published modifications).

NM_203447.4(DOCK8):c.1839A>G (p.Glu613=)

Gene: DOCK8 (dedicator of cytokinesis 8; plus strand). Cytogenetic location: 9p24.3.
Variant type: single nucleotide variant.
Coding change: c.1839A>G on transcript NM_203447.4 (MANE Select); coding-DNA position 1839, A replaced by G.
Protein change: p.Glu613=; no amino-acid change (glutamic acid 613 retained).
Molecular consequence: synonymous variant.
Genome position (GRCh38, 1-based): chr9:370,271, A>G. VCF-style: chr9-370271-A-G. GRCh37 (hg19) VCF-style: chr9-370271-A-G.
Other names: c.1635A>G, p.Glu545= (NM_001190458.2, NM_001193536.2).
Identifiers: ClinVar variation 391962 (VCV000391962.14), dbSNP rs377593459, ClinGen allele CA4957964.